The following is an entry in ClinVar:

NM_000138.5(FBN1):c.1426T>C (p.Cys476Arg)

Gene: FBN1 (fibrillin 1; minus strand). Cytogenetic location: 15q21.1.
Variant type: single nucleotide variant.
Coding change: c.1426T>C on transcript NM_000138.5 (MANE Select); coding-DNA position 1426, T replaced by C.
Protein change: p.Cys476Arg; replaces cysteine 476 with arginine.
Molecular consequence: missense variant.
Genome position (GRCh38, 1-based): chr15:48,515,429, A>G on the plus strand (T>C on the coding strand, the complement: FBN1 is on the minus strand). VCF-style: chr15-48515429-A-G. GRCh37 (hg19) VCF-style: chr15-48807626-A-G.
Other names: short protein forms C476R.
Identifiers: ClinVar variation 406325 (VCV000406325.12), dbSNP rs794728326, ClinGen allele CA16614683.

ClinVar aggregate classification (germline): Pathogenic/Likely pathogenic. Review status: criteria provided, multiple submitters, no conflicts (2 of 4 stars). 3 submissions from 3 submitters: Pathogenic (1); Likely pathogenic (2). Last evaluated 2018-06-04.

Conditions:
Marfan Syndrome/Loeys-Dietz Syndrome/Familial Thoracic Aortic Aneurysms and Dissections. Identifiers: MedGen CN229799.
Marfan syndrome (MFS). Also called: Marfan syndrome, classic; Marfan syndrome type 1; Marfan's syndrome; MARFAN SYNDROME, TYPE I; FBN1-Related Marfan Syndrome. Identifiers: Orphanet 284963, Orphanet 558, MedGen C0024796, MONDO:0007947, OMIM 154700.
Familial thoracic aortic aneurysm and aortic dissection (TAAD). Also called: Thoracic aortic aneurysms and dissections. Identifiers: Orphanet 91387, MedGen C4707243, MONDO:0019625.

Submissions (3):

Women's Health and Genetics/Laboratory Corporation of America, LabCorp
Classification: Likely pathogenic for Marfan Syndrome/Loeys-Dietz Syndrome/Familial Thoracic Aortic Aneurysms and Dissections. Last evaluated: 2018-06-04. Review status: criteria provided, single submitter. Criteria: LabCorp Variant Classification Summary - May 2015. Collection method: clinical testing. Allele origin: germline.
Comment: Variant summary: FBN1 c.1426T>C (p.Cys476Arg) results in a non-conservative amino acid change located in the EGF-like domain of the encoded protein sequence. "The sulfhydryl group of cysteine is unique in its ability to participate in disulfide covalent cross-linkage. In fact, two thirds of fibrillin cysteine residues exist in the half-cystinyl form, suggesting their participation in intramolecular disulfide linkage. The cysteine residues in the EGF-like motif may also be necessary for intermolecular interactions with other fibrillin molecules or with other proteins (Dietz_1992)." Therefore, alteration of cysteine in this domain could disrupt disulfide binding, effecting secondary or tertiary structure or possibly impairing fibrillin interactions. Five of five in-silico tools predict a damaging effect of the variant on protein function. The variant was absent in 245946 control chromosomes (gnomAD). The available data on variant occurrences in the general population are insufficient to allow any conclusion about variant significance. Another variant at this location, c.1426T>G (p.Cys476Gly) has been classified as pathogenic for MFS, internally, along with HGMD reporting another variant, c.1426T>A (p.Cys476Ser). Therefore, indicating the location is a mutational hotspot. To our knowledge, no experimental evidence demonstrating an impact on protein function has been reported. A ClinVar submission from a clinical diagnostic laboratory (evaluation after 2014) cites the variant as "likely pathogenic." Based on the evidence outlined above, the variant was classified as likely pathogenic.

Labcorp Genetics (formerly Invitae), Labcorp
Classification: Likely pathogenic for Marfan syndrome; Familial thoracic aortic aneurysm and aortic dissection. Last evaluated: 2016-07-19. Review status: criteria provided, single submitter. Criteria: Invitae Variant Classification Sherloc (09022015). Collection method: clinical testing. Allele origin: germline.
Comment: In summary, this is a rare missense variant that disrupts a functionally critical cysteine residue of the FBN1 protein. The observation of a different pathogenic missense mutation at this codon further suggests that this cysteine residue is important for FBN1 protein function. Although this variant has been observed in a family with ectopia lentis and polycystic kidney disease, co-segregation of the variant with disease has not been reported. For these reasons, this variant has been classified as Likely Pathogenic. This variant affects a cysteine residue located within an epidermal growth factor (EGF)–like domain of the FBN1 protein. Cysteine residues in these domains have been shown to be involved in the formation of disulfide bridges, which are critical for FBN1 protein structure and stability (PMID: 3495735, 4750422, 16677079). In addition, missense substitutions within the FBN1 EGF-like domains affecting cysteine residues are significantly overrepresented among individuals with Marfan syndrome (PMID: 16571647, 17701892). Indeed, a different missense substitution at this codon (p.Cys476Gly) has been reported to segregate with disease in 34 affected individuals in a large family (PMID: 7951214). Currently there is insufficient evidence to conclude whether this variant segregates with disease or not, as the family members were not genotyped (PMID: 21932315). This variant is not present in population databases (ExAC no frequency). This sequence change replaces cysteine with arginine at codon 476 of the FBN1 protein (p.Cys476Arg). The cysteine residue is highly conserved and there is a large physicochemical difference between cysteine and arginine.

Juno Genomics, Hangzhou Juno Genomics, Inc
Classification: Pathogenic for Marfan syndrome. Review status: criteria provided, single submitter. Criteria: ACMG Guidelines, 2015. Collection method: clinical testing. Allele origin: germline. Affected: yes.
Comment: Absent from controls (or at extremely low frequency if recessive) in Genome Aggregation Database, Exome Sequencing Project, 1000 Genomes Project, or Exome Aggregation Consortium.;The prevalence of the variant in affected individuals is significantly increased compared to the prevalence in controls.;Novel missense change at an amino acid residue where a different missense change determined to be pathogenic has been seen before.;Missense variant in a gene that has a low rate of benign missense variation and where missense variants are a common mechanism of disease.;Multiple lines of computational evidence support a deleterious effect on the gene or gene product (conservation, evolutionary, splicing impact, etc).;Patient's phenotype or family history is highly specific for a disease with a single genetic etiology.

Literature cited by the submitters: PubMed 21932315 (cited by Women's Health and Genetics/Laboratory Corporation of America, LabCorp and Labcorp Genetics (formerly Invitae), Labcorp); PubMed 3495735 (cited by Labcorp Genetics (formerly Invitae), Labcorp); PubMed 4750422 (cited by Labcorp Genetics (formerly Invitae), Labcorp); PubMed 16677079 (cited by Labcorp Genetics (formerly Invitae), Labcorp); PubMed 16571647 (cited by Labcorp Genetics (formerly Invitae), Labcorp); PubMed 17701892 (cited by Labcorp Genetics (formerly Invitae), Labcorp); PubMed 7951214 (cited by Labcorp Genetics (formerly Invitae), Labcorp).